The following is an entry in ClinVar:

NM_001349.4(DARS1):c.830C>T (p.Ser277Phe)

Gene: DARS1 (aspartyl-tRNA synthetase 1; minus strand). Cytogenetic location: 2q21.3.
Variant type: single nucleotide variant.
Coding change: c.830C>T on transcript NM_001349.4 (MANE Select); coding-DNA position 830, C replaced by T.
Protein change: p.Ser277Phe; replaces serine 277 with phenylalanine.
Molecular consequence: missense variant.
Genome position (GRCh38, 1-based): chr2:135,920,582, G>A on the plus strand (C>T on the coding strand, the complement: DARS1 is on the minus strand). VCF-style: chr2-135920582-G-A. GRCh37 (hg19) VCF-style: chr2-136678152-G-A.
Other names: c.530C>T, p.Ser177Phe (NM_001293312.1); short protein forms S177F, S277F.
Identifiers: ClinVar variation 4856992 (VCV004856992.1).

ClinVar aggregate classification (germline): Uncertain significance (1 of 4 stars; one submission).

Conditions:
Hypomyelination with brain stem and spinal cord involvement and leg spasticity. Also called: ASPARTYL-tRNA SYNTHETASE DEFICIENCY; Hypomyelination with brainstem and spinal cord involvement and leg spasticity. Identifiers: Orphanet 363412, MedGen C4755254, MONDO:0014115, OMIM 615281.

gnomAD v4.1: 1 of 1,610,660 alleles (0.000062%); highest among the groups gnomAD compares: Non-Finnish European, 0.000085%; no homozygotes.

Submission:

GLIA-CTN Genomics Core
Classification: Uncertain significance for Hypomyelination with brain stem and spinal cord involvement and leg spasticity. Review status: criteria provided, single submitter. Criteria: ACMG Guidelines, 2015. Collection method: research. Allele origin: germline. Affected: yes.
Comment: The NM_001349.4(DARS1):c.830C>T variant in DARS1 is a missense variant predicted to cause the substitution of a serine to a phenylalanine at amino acid position 277 (p.Ser277Phe). This variant was confirmed to be in trans with another DARS1 variant present in ClinVar (NM_001349.4(DARS1):c.599C>G) in one individual with hypomyelination with brainstem and spinal cord abnormalities and leg spasticity (HBSL, OMIM 615281; PMID: 25527264). Patient lost ability to sit and developed leg spasticity and nystagmus following a viral illness but retained normal cognition at time of last review. The variant has not been reported in the homozygous state and the highest population minor allele frequency in gnomAD v4.1.1 is 8.482e-7 (PM2_supporting based on the ClinGen Sequence Variant Interpretation Working Group). In summary, this variant meets criteria to be classified as a variant of uncertain significance based on the ACMG/AMP criteria applied (PM2_supporting).

Literature cited by the submitters: PubMed 25527264.